The following is an entry in ClinVar:

NM_001159699.2(FHL1):c.179G>A (p.Arg60His)

Gene: FHL1 (four and a half LIM domains 1; plus strand). Cytogenetic location: Xq26.3.
Variant type: single nucleotide variant.
Coding change: c.179G>A on transcript NM_001159699.2 (MANE Select); coding-DNA position 179, G replaced by A.
Protein change: p.Arg60His; replaces arginine 60 with histidine.
Molecular consequence: missense variant. On other transcripts: non-coding transcript variant (1).
Genome position (GRCh38, 1-based): chrX:136,206,563, G>A. VCF-style: chrX-136206563-G-A. GRCh37 (hg19) VCF-style: chrX-135288722-G-A.
Other names: c.131G>A, p.Arg44His (NM_001159700.2, NM_001159702.3, NM_001159703.2 and 9 more transcripts); c.218G>A, p.Arg73His (NM_001159701.2); c.179G>A, p.Arg60His (NM_001330659.2); short protein forms R44H, R60H, R73H.
Identifiers: ClinVar variation 513860 (VCV000513860.9), dbSNP rs11557264, ClinGen allele CA336093951.
Genomic context (GRCh38, chrX:136,206,563, plus strand): 5'-GCCACCACTGCTGCCTGAAATGCTTTGACAAGTTCTGTGCCAACACCTGTGTGGAATGCC[G>A]CAAGCCCATCGGTGCGGACTCCAAGGTAACGGGCATCCCCATGTGCCAATGGGAAGGGCT-3'
Protein context (NP_001153171.1, residues 50-70): KFCANTCVEC[Arg60His]KPIGADSKEV

ClinVar aggregate classification (germline): Conflicting classifications of pathogenicity. Review status: criteria provided, conflicting classifications (1 of 4 stars). 3 submissions from 3 submitters: Uncertain significance (2); Likely benign (1). Last evaluated 2025-09-30.

Conditions:
Cardiovascular phenotype. Identifiers: MedGen CN230736.
X-linked myopathy with postural muscle atrophy. Also called: FHL1-Related Emery-Dreifuss Muscular Dystrophy, X-Linked. Identifiers: Orphanet 178461, MedGen C2678055, MONDO:0010401, OMIM 300696.

Allele frequency attached by ClinVar (database versions not stated): gnomAD exomes 0.00001; TOPMed 0.00001; gnomAD 0.00002.
gnomAD v4.1: 10 of 1,211,500 alleles (0.00083%); highest among the groups gnomAD compares: African/African-American, 0.0069%; no homozygotes.

Submissions (3):

Ambry Genetics
Classification: Uncertain significance for Cardiovascular phenotype. Last evaluated: 2025-09-30. Review status: criteria provided, single submitter. Criteria: Ambry Variant Classification Scheme 2023. Collection method: clinical testing. Allele origin: germline.
Comment: The p.R44H variant (also known as c.131G>A), located in coding exon 1 of the FHL1 gene, results from a G to A substitution at nucleotide position 131. The arginine at codon 44 is replaced by histidine, an amino acid with highly similar properties. This amino acid position is not well conserved in available vertebrate species. In addition, this alteration is predicted to be tolerated by in silico analysis. Based on data from gnomAD, the A allele has an overall frequency of <0.01% (2/183467) total alleles studied, with 1 hemizygote(s) observed. The highest observed frequency was <0.01% (1/81913) of European (non-Finnish) alleles. Based on the available evidence, the clinical significance of this variant remains unclear.

Labcorp Genetics (formerly Invitae), Labcorp
Classification: Uncertain significance for X-linked myopathy with postural muscle atrophy. Last evaluated: 2023-11-17. Review status: criteria provided, single submitter. Criteria: Invitae Variant Classification Sherloc (09022015). Collection method: clinical testing. Allele origin: germline.
Comment: This sequence change replaces arginine, which is basic and polar, with histidine, which is basic and polar, at codon 44 of the FHL1 protein (p.Arg44His). This variant is present in population databases (no rsID available, gnomAD 0.001%). This variant has not been reported in the literature in individuals affected with FHL1-related conditions. ClinVar contains an entry for this variant (Variation ID: 513860). Algorithms developed to predict the effect of missense changes on protein structure and function output the following: SIFT: "Not Available"; PolyPhen-2: "Benign"; Align-GVGD: "Not Available". The histidine amino acid residue is found in multiple mammalian species, which suggests that this missense change does not adversely affect protein function. In summary, the available evidence is currently insufficient to determine the role of this variant in disease. Therefore, it has been classified as a Variant of Uncertain Significance.

GeneDx
Classification: Likely benign. Last evaluated: 2017-12-05. Review status: criteria provided, single submitter. Criteria: GeneDx Variant Classification (06012015). Collection method: clinical testing. Allele origin: germline. Affected: yes.
Comment: This variant is considered likely benign or benign based on one or more of the following criteria: it is a conservative change, it occurs at a poorly conserved position in the protein, it is predicted to be benign by multiple in silico algorithms, and/or has population frequency not consistent with disease.